The following is an entry in ClinVar:

NM_022041.4(GAN):c.*48C>T

Gene: GAN (gigaxonin; plus strand). Cytogenetic location: 16q23.2.
Variant type: single nucleotide variant.
Coding change: c.*48C>T on transcript NM_022041.4 (MANE Select); 48 bases downstream of the stop codon, C replaced by T.
Molecular consequence: 3 prime UTR variant.
Genome position (GRCh38, 1-based): chr16:81,377,644, C>T. VCF-style: chr16-81377644-C-T. GRCh37 (hg19) VCF-style: chr16-81411249-C-T.
Other names: c.*48C>T (NM_001377486.1).
Identifiers: ClinVar variation 887113 (VCV000887113.4), dbSNP rs182080874, ClinGen allele CA8191898.

ClinVar aggregate classification (germline): Likely benign (1 of 4 stars; one submission).

Conditions:
Giant axonal neuropathy 1 (GAN1). Also called: GAN-Related Neurodegeneration; GIANT AXONAL NEUROPATHY 1, AUTOSOMAL RECESSIVE. Identifiers: Orphanet 643, MedGen C1850386, MONDO:0009749, OMIM 256850.

Allele frequency attached by ClinVar (database versions not stated): gnomAD 0.00012 and 0.00016; TOPMed 0.00026; gnomAD exomes 0.00050; ExAC 0.00051; 1000 Genomes Project 0.00060; 1000 Genomes Project 30x 0.00062.
gnomAD v4.1: 201 of 1,524,226 alleles (0.013%); highest among the groups gnomAD compares: East Asian, 0.44%; no homozygotes.

Submission:

Illumina Laboratory Services, Illumina
Classification: Likely benign for Giant axonal neuropathy 1. Last evaluated: 2018-01-13. Review status: criteria provided, single submitter. Criteria: ICSL Variant Classification Criteria 13 December 2019. Collection method: clinical testing. Allele origin: germline.
Comment: This variant was observed in the ICSL laboratory as part of a predisposition screen in an ostensibly healthy population. It had not been previously curated by ICSL or reported in the Human Gene Mutation Database (HGMD: prior to June 1st, 2018), and was therefore a candidate for classification through an automated scoring system. Utilizing variant allele frequency, disease prevalence and penetrance estimates, and inheritance mode, an automated score was calculated to assess if this variant is too frequent to cause the disease. Based on the score and internal cut-off values, a variant classified as likely benign is not then subjected to further curation. The score for this variant resulted in a classification of likely benign for this disease.